The following is an entry in ClinVar:

NM_003005.4(SELP):c.479C>T (p.Thr160Ile)

Gene: SELP (selectin P; minus strand). Cytogenetic location: 1q24.2.
Variant type: single nucleotide variant.
Coding change: c.479C>T on transcript NM_003005.4 (MANE Select); coding-DNA position 479, C replaced by T.
Protein change: p.Thr160Ile; replaces threonine 160 with isoleucine.
Molecular consequence: missense variant.
Genome position (GRCh38, 1-based): chr1:169,617,030, G>A on the plus strand (C>T on the coding strand, the complement: SELP is on the minus strand). VCF-style: chr1-169617030-G-A. GRCh37 (hg19) VCF-style: chr1-169586268-G-A.
Other names: short protein forms T160I.
Identifiers: ClinVar variation 992519 (VCV000992519.2), dbSNP rs1466050047, ClinGen allele CA343135326.

ClinVar aggregate classification (germline): Uncertain significance (1 of 4 stars; one submission).

Allele frequency attached by ClinVar (database versions not stated): gnomAD exomes 0.00001.

Submission:

Center for Genomics, Ann and Robert H. Lurie Children's Hospital of Chicago
Classification: Uncertain significance. Last evaluated: 2021-03-30. Review status: criteria provided, single submitter. Criteria: ACMG Guidelines, 2015. Collection method: clinical testing. Allele origin: germline.
Comment: SELP NM_003005.3 exon 3 p.Thr160Ile (c.479C>T): This variant has not been reported in the literature but is present in 0.005% (2/33984) of Latino alleles in the Genome Aggregation Database. Evolutionary conservation and computational predictive tools suggest that this variant may not impact the protein. In summary, data on this variant is insufficient for disease classification. Therefore, the clinical significance of this variant is uncertain.